The following is an entry in ClinVar:

ClinVar aggregate classification (germline): Conflicting classifications of pathogenicity. Review status: criteria provided, conflicting classifications (1 of 4 stars). 7 submissions from 7 submitters: Uncertain significance (5); Likely benign (2). Last evaluated 2026-05-07.

Conditions:
Myofibrillar myopathy 5. Also called: Filaminopathy (type); FILAMINOPATHY, AUTOSOMAL DOMINANT. Identifiers: Orphanet 171445, MedGen C1836050, MONDO:0012289, OMIM 609524.
Hypertrophic cardiomyopathy 26. Also called: Cardiomyopathy, familial hypertrophic, 26. Identifiers: Orphanet 75249, MedGen C4310749, MONDO:0014883, OMIM 617047.
Distal myopathy with posterior leg and anterior hand involvement. Also called: WILLIAMS DISTAL MYOPATHY. Identifiers: Orphanet 63273, MedGen C3279722, MONDO:0013550, OMIM 614065.
Cardiovascular phenotype. Identifiers: MedGen CN230736.

Allele frequency attached by ClinVar (database versions not stated): ESP Exome Variant Server 0.00008.
gnomAD v4.1: 84 of 1,613,554 alleles (0.0052%); highest among the groups gnomAD compares: Admixed American, 0.01%; no homozygotes.

Submissions (7):

GeneDx
Classification: Uncertain significance. Last evaluated: 2026-05-07. Review status: criteria provided, single submitter. Criteria: GeneDx Variant Classification Process June 2021. Collection method: clinical testing. Allele origin: germline.
Comment: Identified in a patient with HCM in published literature; In silico analysis supports that this missense variant has a deleterious effect on protein structure/function; This variant is associated with the following publications: (PMID: 28356264, 36286284)

Labcorp Genetics (formerly Invitae), Labcorp
Classification: Likely benign for Distal myopathy with posterior leg and anterior hand involvement; Myofibrillar myopathy 5; Hypertrophic cardiomyopathy 26. Last evaluated: 2025-11-03. Review status: criteria provided, single submitter. Criteria: Invitae Variant Classification Sherloc (09022015). Collection method: clinical testing. Allele origin: germline.

Ambry Genetics
Classification: Uncertain significance for Cardiovascular phenotype. Last evaluated: 2024-02-09. Review status: criteria provided, single submitter. Criteria: Ambry Variant Classification Scheme 2023. Collection method: clinical testing. Allele origin: germline.
Comment: The p.R1267W variant (also known as c.3799C>T), located in coding exon 22 of the FLNC gene, results from a C to T substitution at nucleotide position 3799. The arginine at codon 1267 is replaced by tryptophan, an amino acid with dissimilar properties. This alteration has been reported in a healthy control population in a hypertrophic cardiomyopathy study (G&oacute;mez J et al. Circ Cardiovasc Genet, 2017 Apr;10:[ePub ahead of print]). This amino acid position is highly conserved in available vertebrate species. In addition, this alteration is predicted to be deleterious by in silico analysis. Since supporting evidence is limited at this time, the clinical significance of this alteration remains unclear.

Blueprint Genetics
Classification: Likely benign. Last evaluated: 2023-03-01. Review status: criteria provided, single submitter. Criteria: ACMG Guidelines, 2015. Collection method: clinical testing. Allele origin: germline.

Clinical Genetics Laboratory, Skane University Hospital Lund
Classification: Uncertain significance. Last evaluated: 2023-01-17. Review status: criteria provided, single submitter. Criteria: ACMG Guidelines, 2015. Collection method: clinical testing. Allele origin: germline. Affected: yes.

Fulgent Genetics
Classification: Uncertain significance for Myofibrillar myopathy 5; Distal myopathy with posterior leg and anterior hand involvement; Hypertrophic cardiomyopathy 26. Last evaluated: 2021-07-26. Review status: criteria provided, single submitter. Criteria: ACMG Guidelines, 2015. Collection method: clinical testing. Allele origin: unknown.

Revvity Omics, Revvity
Classification: Uncertain significance. Last evaluated: 2020-09-14. Review status: criteria provided, single submitter. Criteria: ACMG Guidelines, 2015. Collection method: clinical testing. Allele origin: germline.

Literature cited by the submitters: PubMed 28356264 (cited by Ambry Genetics).

NM_001458.5(FLNC):c.3799C>T (p.Arg1267Trp)

Gene: FLNC (filamin C; plus strand). Cytogenetic location: 7q32.1.
Variant type: single nucleotide variant.
Coding change: c.3799C>T on transcript NM_001458.5 (MANE Select); coding-DNA position 3799, C replaced by T.
Protein change: p.Arg1267Trp; replaces arginine 1267 with tryptophan.
Molecular consequence: missense variant.
Genome position (GRCh38, 1-based): chr7:128,845,998, C>T. VCF-style: chr7-128845998-C-T. GRCh37 (hg19) VCF-style: chr7-128486052-C-T.
Other names: c.3799C>T, p.Arg1267Trp (NM_001127487.2); short protein forms R1267W.
Identifiers: ClinVar variation 576780 (VCV000576780.17), dbSNP rs371483562, ClinGen allele CA4475145.